The following is an entry in ClinVar:

NM_000629.3(IFNAR1):c.181T>G (p.Phe61Val)

Gene: IFNAR1 (interferon alpha and beta receptor subunit 1; plus strand). Cytogenetic location: 21q22.11.
Variant type: single nucleotide variant.
Coding change: c.181T>G on transcript NM_000629.3 (MANE Select); coding-DNA position 181, T replaced by G.
Protein change: p.Phe61Val; replaces phenylalanine 61 with valine.
Molecular consequence: missense variant. On other transcripts: 5 prime UTR variant (3).
Genome position (GRCh38, 1-based): chr21:33,335,628, T>G. VCF-style: chr21-33335628-T-G. GRCh37 (hg19) VCF-style: chr21-34707934-T-G.
Other names: c.181T>G, p.Phe61Val (NM_001384498.1, NM_001384499.1, NM_001384501.1 and 1 more transcripts); c.-606T>G (NM_001384500.1); c.-203T>G (NM_001384502.1); c.-27T>G (NM_001384504.1); short protein forms F61V.
Identifiers: ClinVar variation 2070005 (VCV002070005.4), dbSNP rs2516859217, ClinGen allele CA410106167.

ClinVar aggregate classification (germline): Uncertain significance (1 of 4 stars; one submission).

Submission:

Labcorp Genetics (formerly Invitae), Labcorp
Classification: Uncertain significance. Last evaluated: 2022-01-02. Review status: criteria provided, single submitter. Criteria: Invitae Variant Classification Sherloc (09022015). Collection method: clinical testing. Allele origin: germline.
Comment: This variant has not been reported in the literature in individuals affected with IFNAR1-related conditions. This variant is not present in population databases (gnomAD no frequency). This sequence change replaces phenylalanine, which is neutral and non-polar, with valine, which is neutral and non-polar, at codon 61 of the IFNAR1 protein (p.Phe61Val). In summary, the available evidence is currently insufficient to determine the role of this variant in disease. Therefore, it has been classified as a Variant of Uncertain Significance. Algorithms developed to predict the effect of missense changes on protein structure and function output the following: SIFT: "Deleterious"; PolyPhen-2: "Probably Damaging"; Align-GVGD: "Class C0". The valine amino acid residue is found in multiple mammalian species, which suggests that this missense change does not adversely affect protein function.